The following is an entry in ClinVar:

ClinVar aggregate classification (germline): Uncertain significance (1 of 4 stars; one submission).

gnomAD v4.1: 3 of 1,612,618 alleles (0.00019%); highest among the groups gnomAD compares: Non-Finnish European, 0.00017%; no homozygotes.

Submission:

Labcorp Genetics (formerly Invitae), Labcorp
Classification: Uncertain significance. Last evaluated: 2024-07-30. Review status: criteria provided, single submitter. Criteria: Invitae Variant Classification Sherloc (09022015). Collection method: clinical testing. Allele origin: germline.
Comment: This sequence change replaces proline, which is neutral and non-polar, with glutamine, which is neutral and polar, at codon 1081 of the KIDINS220 protein (p.Pro1081Gln). This variant is not present in population databases (gnomAD no frequency). This variant has not been reported in the literature in individuals affected with KIDINS220-related conditions. An algorithm developed to predict the effect of missense changes on protein structure and function (PolyPhen-2) suggests that this variant is likely to be tolerated. In summary, the available evidence is currently insufficient to determine the role of this variant in disease. Therefore, it has been classified as a Variant of Uncertain Significance.

NM_020738.4(KIDINS220):c.3242C>A (p.Pro1081Gln)

Gene: KIDINS220 (kinase D interacting substrate 220; minus strand). Cytogenetic location: 2p25.1.
Variant type: single nucleotide variant.
Coding change: c.3242C>A on transcript NM_020738.4 (MANE Select); coding-DNA position 3242, C replaced by A.
Protein change: p.Pro1081Gln; replaces proline 1081 with glutamine.
Molecular consequence: missense variant. On other transcripts: non-coding transcript variant (2).
Genome position (GRCh38, 1-based): chr2:8,750,284, G>T on the plus strand (C>A on the coding strand, the complement: KIDINS220 is on the minus strand). VCF-style: chr2-8750284-G-T. GRCh37 (hg19) VCF-style: chr2-8890414-G-T.
Other names: c.3245C>A, p.Pro1082Gln (NM_001348729.2, NM_001348731.2, NM_001348734.2 and 2 more transcripts); c.3242C>A, p.Pro1081Gln (NM_001348732.2, NM_001348735.2, NM_001348738.2 and 3 more transcripts); c.3116C>A, p.Pro1039Gln (NM_001348736.2); short protein forms P1039Q, P1081Q, P1082Q.
Identifiers: ClinVar variation 3674689 (VCV003674689.2).